The following is an entry in ClinVar:

NM_000155.4(GALT):c.1060-3C>G

Gene: GALT (galactose-1-phosphate uridylyltransferase; plus strand). Cytogenetic location: 9p13.3.
Variant type: single nucleotide variant.
Coding change: c.1060-3C>G on transcript NM_000155.4 (MANE Select); 3 bases into the intron before coding-DNA position 1060, C replaced by G.
Molecular consequence: intron variant.
Genome position (GRCh38, 1-based): chr9:34,650,366, C>G. VCF-style: chr9-34650366-C-G. GRCh37 (hg19) VCF-style: chr9-34650363-C-G.
Other names: c.733-3C>G (NM_001258332.2).
Identifiers: ClinVar variation 4886942 (VCV004886942.1).

ClinVar aggregate classification (germline): Uncertain significance (1 of 4 stars; one submission).

Conditions:
Deficiency of UDPglucose-hexose-1-phosphate uridylyltransferase. Also called: GALACTOSE-1-PHOSPHATE URIDYLYLTRANSFERASE DEFICIENCY; GALT deficiency; Galactosemia, classic; Transferase Deficiency Galactosemia; GALACTOSEMIA I. Identifiers: Orphanet 352, Orphanet 79239, MedGen C0268151, MONDO:0009258, OMIM 230400.

Submission:

Molecular Genetics Laboratory, CHU Lille
Classification: Uncertain significance for Deficiency of UDPglucose-hexose-1-phosphate uridylyltransferase. Last evaluated: 2026-08-19. Review status: criteria provided, single submitter. Criteria: ACMG Guidelines, 2015. Collection method: clinical testing. Allele origin: germline. Affected: yes.
Comment: In the absence of sufficient evidence indicating a deleterious effect, this variant is classified as a variant of uncertain significance at this time.